The following is an entry in ClinVar:

ClinVar aggregate classification (germline): Pathogenic. Review status: criteria provided, single submitter (1 of 4 stars). 2 submissions from 2 submitters: Pathogenic (1). 1 of the submissions does not count toward it. Last evaluated 2025-07-14.

Conditions:
Osteogenesis imperfecta type 7 (OI7). Also called: Osteogenesis imperfecta type 2B; OI type 2B; Osteogenesis imperfecta, perinatal lethal autosomal recessive; OI type IIB; OSTEOGENESIS IMPERFECTA, TYPE IIB; OI type 7. Identifiers: MedGen C1853162, MONDO:0012536, OMIM 610682.

Submissions (2):

Labcorp Genetics (formerly Invitae), Labcorp
Classification: Pathogenic for Osteogenesis imperfecta type 7. Last evaluated: 2025-07-14. Review status: criteria provided, single submitter. Criteria: Invitae Variant Classification Sherloc (09022015). Collection method: clinical testing. Allele origin: germline.
Comment: This sequence change creates a premature translational stop signal (p.Gly99Alafs*67) in the CRTAP gene. It is expected to result in an absent or disrupted protein product. Loss-of-function variants in CRTAP are known to be pathogenic (PMID: 17055431, 19862557, 24715559). This variant is not present in population databases (gnomAD no frequency). This premature translational stop signal has been observed in individuals with osteogenesis imperfecta (PMID: 17192541, 18566967). This variant is also known as 16-nucleotide duplication in exon 1. ClinVar contains an entry for this variant (Variation ID: 4952). For these reasons, this variant has been classified as Pathogenic.

OMIM
Classification: Pathogenic for OSTEOGENESIS IMPERFECTA, TYPE VII. Last evaluated: 2006-12-28. Review status: no assertion criteria provided. Collection method: literature only. Allele origin: germline. Not counted in ClinVar's aggregate classification.

Literature cited by the submitters: PubMed 17055431 (cited by Labcorp Genetics (formerly Invitae), Labcorp); PubMed 19862557 (cited by Labcorp Genetics (formerly Invitae), Labcorp); PubMed 24715559 (cited by Labcorp Genetics (formerly Invitae), Labcorp); PubMed 17192541 (cited by Labcorp Genetics (formerly Invitae), Labcorp and OMIM); PubMed 18566967 (cited by Labcorp Genetics (formerly Invitae), Labcorp).

NM_006371.5(CRTAP):c.278_293dup (p.Gly99fs)

Gene: CRTAP (cartilage associated protein; plus strand). Cytogenetic location: 3p22.3.
Variant type: Duplication.
Coding change: c.278_293dup on transcript NM_006371.5 (MANE Select); coding-DNA positions 278 to 293, 16 bases duplicated (AGCCCGAGCCCGCCGC).
Protein change: p.Gly99fs; shifts the reading frame from glycine 99.
Molecular consequence: frameshift variant.
Genome position (GRCh38, 1-based): chr3:33,114,355-33,114,370, AGCCCGAGCCCGCCGC duplicated; duplicating any 16 consecutive bases within chr3:33,114,349-33,114,370 gives the same sequence; the c. name uses the placement nearest the transcript's 3' end. VCF-style (leftmost placement, unchanged base first): chr3-33114348-G-GCGCCGCAGCCCGAGCC. GRCh37 (hg19) VCF-style: chr3-33155840-G-GCGCCGCAGCCCGAGCC.
Other names: c.278_293dup, p.Gly99fs (NM_001393363.1, NM_001393364.1, NM_001393365.1); short protein forms G99fs.
Identifiers: ClinVar variation 4952 (VCV000004952.5), dbSNP rs137853940, ClinGen allele CA72699539.